The following is an entry in ClinVar:

NM_014297.5(ETHE1):c.263C>T (p.Ser88Leu)

Gene: ETHE1 (ETHE1 persulfide dioxygenase; minus strand). Cytogenetic location: 19q13.31.
Variant type: single nucleotide variant.
Coding change: c.263C>T on transcript NM_014297.5 (MANE Select); coding-DNA position 263, C replaced by T.
Protein change: p.Ser88Leu; replaces serine 88 with leucine.
Molecular consequence: missense variant. On other transcripts: intron variant (2).
Genome position (GRCh38, 1-based): chr19:43,526,313, G>A on the plus strand (C>T on the coding strand, the complement: ETHE1 is on the minus strand). VCF-style: chr19-43526313-G-A. GRCh37 (hg19) VCF-style: chr19-44030465-G-A.
Other names: c.230C>T, p.Ser77Leu (NM_001320867.2); c.81+784C>T (NM_001320869.2); c.6+202C>T (NM_001320868.2); short protein forms S77L, S88L.
Identifiers: ClinVar variation 3251875 (VCV003251875.1), dbSNP rs1972245042.
Genomic context (GRCh38, chr19:43,526,313, plus strand): 5'-GCCCCACTAAGGCGGGAGATGACAGACTGGCAGCCAGGGAGGAGGGAACGGAGCAGCCCC[G>A]AGCCTGTAATGTGGTCCGCGTGGCAGTGGGTATTCACTGGGAGAGAGAGGAGGGACAGGT-3'
Protein context (NP_055112.2, residues 78-98): THCHADHITG[Ser88Leu]GLLRSLLPGC

ClinVar aggregate classification (germline): Likely pathogenic (1 of 4 stars; one submission).

Conditions:
Ethylmalonic encephalopathy (EE). Also called: Syndrome of encephalopathy, petechiae, and ethylmalonic aciduria; EPEMA syndrome; Encephalopathy, petechiae, and ethylmalonic aciduria. Identifiers: Orphanet 51188, MedGen C1865349, MONDO:0011229, OMIM 602473. Disease mechanism: loss of function.

Submission:

Women's Health and Genetics/Laboratory Corporation of America, LabCorp
Classification: Likely pathogenic for Ethylmalonic encephalopathy. Last evaluated: 2024-04-18. Review status: criteria provided, single submitter. Criteria: LabCorp Variant Classification Summary - May 2015. Collection method: clinical testing. Allele origin: germline.
Comment: Variant summary: ETHE1 c.263C>T (p.Ser88Leu) results in a non-conservative amino acid change located in the Metallo-beta-lactamase (IPR001279) of the encoded protein sequence. Three of five in-silico tools predict a damaging effect of the variant on protein function. The variant was absent in 249554 control chromosomes. c.263C>T has been reported in the literature as biallelic homozygous or compound heterozygous genotypes in individuals affected with Ethylmalonic Encephalopathy (example, Alfadhel_2016, Lim_2021). These data indicate that the variant is likely to be associated with disease. To our knowledge, no experimental evidence demonstrating an impact on protein function has been reported. The following publications have been ascertained in the context of this evaluation (PMID: 27629047, 33900143, 32485156). No submitters have cited clinical-significance assessments for this variant to ClinVar. Based on the evidence outlined above, the variant was classified as likely pathogenic.

Literature cited by the submitters: PubMed 27629047; PubMed 32485156; PubMed 33900143.